The following is an entry in ClinVar:

NM_000702.4(ATP1A2):c.3010C>T (p.Leu1004Phe)

Gene: ATP1A2 (ATPase Na+/K+ transporting subunit alpha 2; plus strand). Cytogenetic location: 1q23.2.
Variant type: single nucleotide variant.
Coding change: c.3010C>T on transcript NM_000702.4 (MANE Select); coding-DNA position 3010, C replaced by T.
Protein change: p.Leu1004Phe; replaces leucine 1004 with phenylalanine.
Molecular consequence: missense variant.
Genome position (GRCh38, 1-based): chr1:160,139,960, C>T. VCF-style: chr1-160139960-C-T. GRCh37 (hg19) VCF-style: chr1-160109750-C-T.
Other names: short protein forms L1004F.
Identifiers: ClinVar variation 2111380 (VCV002111380.4), dbSNP rs867671432, ClinGen allele CA31506238.

ClinVar aggregate classification (germline): Uncertain significance (1 of 4 stars; one submission).

Conditions:
Familial hemiplegic migraine. Identifiers: MedGen C0338484, MONDO:0000700.

Allele frequency attached by ClinVar (database versions not stated): gnomAD exomes 0.00001.
gnomAD v4.1: 6 of 1,614,092 alleles (0.00037%); highest among the groups gnomAD compares: Non-Finnish European, 0.00051%; no homozygotes.

Submission:

Labcorp Genetics (formerly Invitae), Labcorp
Classification: Uncertain significance for Familial hemiplegic migraine. Last evaluated: 2023-04-24. Review status: criteria provided, single submitter. Criteria: Invitae Variant Classification Sherloc (09022015). Collection method: clinical testing. Allele origin: germline.
Comment: Advanced modeling of protein sequence and biophysical properties (such as structural, functional, and spatial information, amino acid conservation, physicochemical variation, residue mobility, and thermodynamic stability) performed at Invitae indicates that this missense variant is not expected to disrupt ATP1A2 protein function. In summary, the available evidence is currently insufficient to determine the role of this variant in disease. Therefore, it has been classified as a Variant of Uncertain Significance. ClinVar contains an entry for this variant (Variation ID: 2111380). This variant has not been reported in the literature in individuals affected with ATP1A2-related conditions. This variant is not present in population databases (gnomAD no frequency). This sequence change replaces leucine, which is neutral and non-polar, with phenylalanine, which is neutral and non-polar, at codon 1004 of the ATP1A2 protein (p.Leu1004Phe).